The following is an entry in ClinVar:

NM_001278512.2(AP3B2):c.*35A>C

Genes: AP3B2 (adaptor related protein complex 3 subunit beta 2; minus strand), CPEB1-AS1 (CPEB1 antisense RNA 1; plus strand). Cytogenetic location: 15q25.2.
Variant type: single nucleotide variant.
Coding change: c.*35A>C on transcript NM_001278512.2 (MANE Select); 35 bases downstream of the stop codon, A replaced by C.
Molecular consequence: 3 prime UTR variant.
Genome position (GRCh38, 1-based): chr15:82,659,525, T>G on the plus strand (A>C on the coding strand, the complement: AP3B2 is on the minus strand). VCF-style: chr15-82659525-T-G. GRCh37 (hg19) VCF-style: chr15-83328277-T-G.
Other names: c.*35A>C (NM_001278511.2, NM_001348441.2, NM_004644.5).
Identifiers: ClinVar variation 4281135 (VCV004281135.7).

ClinVar aggregate classification (germline): Likely benign (1 of 4 stars; one submission).

gnomAD v4.1: 27 of 1,609,406 alleles (0.0017%); highest among the groups gnomAD compares: Non-Finnish European, 0.0019%; no homozygotes.

Submission:

CeGaT Center for Human Genetics Tuebingen
Classification: Likely benign. Last evaluated: 2025-09-01. Review status: criteria provided, single submitter. Criteria: CeGaT Center For Human Genetics Tuebingen Variant Classification Criteria Version 2. Collection method: clinical testing. Allele origin: germline. Affected: yes. Observed: 1 variant allele.
Comment: AP3B2: BP4, BP7